The following is an entry in ClinVar:

NM_177438.3(DICER1):c.1509+5C>G

Gene: DICER1 (dicer 1, ribonuclease III; minus strand). Cytogenetic location: 14q32.13.
Variant type: single nucleotide variant.
Coding change: c.1509+5C>G on transcript NM_177438.3 (MANE Select); 5 bases into the intron after coding-DNA position 1509, C replaced by G.
Molecular consequence: intron variant.
Genome position (GRCh38, 1-based): chr14:95,117,617, G>C on the plus strand (C>G on the coding strand, the complement: DICER1 is on the minus strand). VCF-style: chr14-95117617-G-C. GRCh37 (hg19) VCF-style: chr14-95583954-G-C.
Other names: c.1509+5C>G (NM_177438.2, NM_001291628.2, NM_030621.4 and 2 more transcripts).
Identifiers: ClinVar variation 1011682 (VCV001011682.10), dbSNP rs984076701, ClinGen allele CA265917202.

ClinVar aggregate classification (germline): Conflicting classifications of pathogenicity. Review status: criteria provided, conflicting classifications (1 of 4 stars). 2 submissions from 2 submitters: Uncertain significance (1); Likely benign (1). Last evaluated 2025-08-22.

Conditions:
Hereditary cancer-predisposing syndrome. Also called: Tumor predisposition; Hereditary Cancer Syndrome; Neoplastic Syndromes, Hereditary; Hereditary neoplastic syndrome. Identifiers: Orphanet 140162, MedGen C0027672, MeSH D009386, MONDO:0015356.
DICER1-related tumor predisposition. Also called: DICER1-related pleuropulmonary blastoma cancer predisposition syndrome; DICER1 syndrome. Identifiers: Orphanet 284343, MedGen C3839822, MONDO:0100216.

Submissions (2):

Ambry Genetics
Classification: Likely benign for Hereditary cancer-predisposing syndrome. Last evaluated: 2025-08-22. Review status: criteria provided, single submitter. Criteria: Ambry Variant Classification Scheme 2023. Collection method: clinical testing. Allele origin: germline.

Labcorp Genetics (formerly Invitae), Labcorp
Classification: Uncertain significance for DICER1-related tumor predisposition. Last evaluated: 2023-05-08. Review status: criteria provided, single submitter. Criteria: Invitae Variant Classification Sherloc (09022015). Collection method: clinical testing. Allele origin: germline.
Comment: In summary, the available evidence is currently insufficient to determine the role of this variant in disease. Therefore, it has been classified as a Variant of Uncertain Significance. Variants that disrupt the consensus splice site are a relatively common cause of aberrant splicing (PMID: 17576681, 9536098). Algorithms developed to predict the effect of sequence changes on RNA splicing suggest that this variant is not likely to affect RNA splicing. ClinVar contains an entry for this variant (Variation ID: 1011682). This variant has not been reported in the literature in individuals affected with DICER1-related conditions. This variant is not present in population databases (gnomAD no frequency). This sequence change falls in intron 9 of the DICER1 gene. It does not directly change the encoded amino acid sequence of the DICER1 protein. It affects a nucleotide within the consensus splice site.

Literature cited by the submitters: PubMed 17576681 (cited by Labcorp Genetics (formerly Invitae), Labcorp); PubMed 9536098 (cited by Labcorp Genetics (formerly Invitae), Labcorp).